The following is an entry in ClinVar:

NM_005214.5(CTLA4):c.496A>G (p.Ile166Val)

Gene: CTLA4 (cytotoxic T-lymphocyte associated protein 4; plus strand). Cytogenetic location: 2q33.2.
Variant type: single nucleotide variant.
Coding change: c.496A>G on transcript NM_005214.5 (MANE Select); coding-DNA position 496, A replaced by G.
Protein change: p.Ile166Val; replaces isoleucine 166 with valine.
Molecular consequence: missense variant. On other transcripts: intron variant (1).
Genome position (GRCh38, 1-based): chr2:203,871,416, A>G. VCF-style: chr2-203871416-A-G. GRCh37 (hg19) VCF-style: chr2-204736139-A-G.
Other names: c.457+483A>G (NM_001037631.3); short protein forms I166V.
Identifiers: ClinVar variation 1326454 (VCV001326454.2), dbSNP rs779775271, ClinGen allele CA2067123.

ClinVar aggregate classification (germline): Uncertain significance (1 of 4 stars; one submission).

Allele frequency attached by ClinVar (database versions not stated): gnomAD exomes below 0.00001 and 0.00002; ExAC 0.00001.

Submission:

GeneDx
Classification: Uncertain significance. Last evaluated: 2021-04-26. Review status: criteria provided, single submitter. Criteria: GeneDx Variant Classification Process June 2021. Collection method: clinical testing. Allele origin: germline. Affected: yes.
Comment: Has not been previously published as pathogenic or benign to our knowledge; Not observed at a significant frequency in large population cohorts (Lek et al., 2016); In silico analysis supports that this missense variant does not alter protein structure/function